The following is an entry in ClinVar:

ClinVar aggregate classification (germline): Uncertain significance (1 of 4 stars; one submission).

Conditions:
Infantile neuroaxonal dystrophy (NBIA2A). Also called: NEURODEGENERATION WITH BRAIN IRON ACCUMULATION 2A; SEITELBERGER DISEASE; Infantile neuroaxonal dystrophy 1. Identifiers: Orphanet 35069, MedGen C0270724, MONDO:0024457, OMIM 256600.

Allele frequency attached by ClinVar (database versions not stated): gnomAD 0.00001; ESP Exome Variant Server 0.00008; gnomAD exomes 0.00001; TOPMed 0.00003.
gnomAD v4.1: 13 of 1,600,142 alleles (0.00081%); highest among the groups gnomAD compares: East Asian, 0.0045%; no homozygotes.

Submission:

Labcorp Genetics (formerly Invitae), Labcorp
Classification: Uncertain significance for Infantile neuroaxonal dystrophy. Last evaluated: 2022-08-10. Review status: criteria provided, single submitter. Criteria: Invitae Variant Classification Sherloc (09022015). Collection method: clinical testing. Allele origin: germline.
Comment: This sequence change replaces arginine, which is basic and polar, with glutamine, which is neutral and polar, at codon 632 of the PLA2G6 protein (p.Arg632Gln). The frequency data for this variant in the population databases is considered unreliable, as metrics indicate poor data quality at this position in the gnomAD database. This variant has not been reported in the literature in individuals affected with PLA2G6-related conditions. Advanced modeling of protein sequence and biophysical properties (such as structural, functional, and spatial information, amino acid conservation, physicochemical variation, residue mobility, and thermodynamic stability) performed at Invitae indicates that this missense variant is not expected to disrupt PLA2G6 protein function. This variant disrupts the p.Arg632 amino acid residue in PLA2G6. Other variant(s) that disrupt this residue have been determined to be pathogenic (PMID: 16783378, 19087156). This suggests that this residue is clinically significant, and that variants that disrupt this residue are likely to be disease-causing. In summary, the available evidence is currently insufficient to determine the role of this variant in disease. Therefore, it has been classified as a Variant of Uncertain Significance.

Literature cited by the submitters: PubMed 16783378; PubMed 19087156.

NM_003560.4(PLA2G6):c.1895G>A (p.Arg632Gln)

Gene: PLA2G6 (phospholipase A2 group VI; minus strand). Cytogenetic location: 22q13.1.
Variant type: single nucleotide variant.
Coding change: c.1895G>A on transcript NM_003560.4 (MANE Select); coding-DNA position 1895, G replaced by A.
Protein change: p.Arg632Gln; replaces arginine 632 with glutamine.
Molecular consequence: missense variant.
Genome position (GRCh38, 1-based): chr22:38,115,666, C>T on the plus strand (G>A on the coding strand, the complement: PLA2G6 is on the minus strand). VCF-style: chr22-38115666-C-T. GRCh37 (hg19) VCF-style: chr22-38511673-C-T.
Other names: c.1733G>A, p.Arg578Gln (NM_001004426.3, NM_001199562.3, NM_001349865.2 and 1 more transcripts); c.1895G>A, p.Arg632Gln (NM_001349864.2); c.1361G>A, p.Arg454Gln (NM_001349867.2); c.1217G>A, p.Arg406Gln (NM_001349868.2); c.1199G>A, p.Arg400Gln (NM_001349869.2); short protein forms R400Q, R578Q, R406Q, R454Q, R632Q.
Identifiers: ClinVar variation 1923896 (VCV001923896.2), dbSNP rs370975770, ClinGen allele CA324183552.